The following is an entry in ClinVar:

NM_194248.3(OTOF):c.227+2T>C

Gene: OTOF (otoferlin; minus strand). Cytogenetic location: 2p23.3.
Variant type: single nucleotide variant.
Coding change: c.227+2T>C on transcript NM_194248.3 (MANE Select); the canonical splice donor site of the intron after coding-DNA position 227, T replaced by C.
Molecular consequence: splice donor variant.
Genome position (GRCh38, 1-based): chr2:26,527,830, A>G on the plus strand (T>C on the coding strand, the complement: OTOF is on the minus strand). VCF-style: chr2-26527830-A-G. GRCh37 (hg19) VCF-style: chr2-26750698-A-G.
Other names: c.227+2T>C (NM_001287489.2).
Identifiers: ClinVar variation 2979182 (VCV002979182.3), dbSNP rs1344409792, ClinGen allele CA346139825.

ClinVar aggregate classification (germline): Likely pathogenic (1 of 4 stars; one submission).

Allele frequency attached by ClinVar (database versions not stated): gnomAD exomes 0.00001; TOPMed 0.00001; gnomAD 0.00002.
gnomAD v4.1: 13 of 1,608,180 alleles (0.00081%); highest among the groups gnomAD compares: Middle Eastern, 0.016%; no homozygotes.

Submission:

Labcorp Genetics (formerly Invitae), Labcorp
Classification: Likely pathogenic. Last evaluated: 2025-01-30. Review status: criteria provided, single submitter. Criteria: Invitae Variant Classification Sherloc (09022015). Collection method: clinical testing. Allele origin: germline.
Comment: This sequence change affects a donor splice site in intron 3 of the OTOF gene. It is expected to disrupt RNA splicing. Variants that disrupt the donor or acceptor splice site typically lead to a loss of protein function (PMID: 16199547), and loss-of-function variants in OTOF are known to be pathogenic (PMID: 18381613, 19250381, 22575033). This variant is present in population databases (no rsID available, gnomAD 0.01%). This variant has not been reported in the literature in individuals affected with OTOF-related conditions. ClinVar contains an entry for this variant (Variation ID: 2979182). Algorithms developed to predict the effect of sequence changes on RNA splicing suggest that this variant may disrupt the consensus splice site. In summary, the currently available evidence indicates that the variant is pathogenic, but additional data are needed to prove that conclusively. Therefore, this variant has been classified as Likely Pathogenic.

Literature cited by the submitters: PubMed 16199547; PubMed 18381613; PubMed 19250381; PubMed 22575033.